The following is an entry in ClinVar:

ClinVar aggregate classification (germline): Likely benign. Review status: criteria provided, multiple submitters, no conflicts (2 of 4 stars). 2 submissions from 2 submitters: Likely benign (2). Last evaluated 2026-01-27.

Conditions:
Hereditary diffuse gastric adenocarcinoma (HDGC). Also called: DIFFUSE GASTRIC AND LOBULAR BREAST CANCER SYNDROME. Identifiers: Orphanet 26106, MedGen C1708349, MONDO:0007648, OMIM 137215.

Allele frequency attached by ClinVar (database versions not stated): gnomAD 0.00003 and 0.00006; TOPMed 0.00003; ExAC 0.00004; gnomAD exomes 0.00004; 1000 Genomes Project 30x 0.00062; 1000 Genomes Project 0.00080.
gnomAD v4.1: 31 of 1,613,516 alleles (0.0019%); highest among the groups gnomAD compares: East Asian, 0.062%; no homozygotes.

Submissions (2):

Labcorp Genetics (formerly Invitae), Labcorp
Classification: Likely benign. Last evaluated: 2026-01-27. Review status: criteria provided, single submitter. Criteria: Invitae Variant Classification Sherloc (09022015). Collection method: clinical testing. Allele origin: germline.

Myriad Genetics, Inc.
Classification: Likely benign for Hereditary diffuse gastric adenocarcinoma. Last evaluated: 2024-10-10. Review status: criteria provided, single submitter. Criteria: Myriad Autosomal Dominant, Autosomal Recessive and X-Linked Classification Criteria (2023). Collection method: clinical testing. Allele origin: unknown.
Comment: This variant is considered likely benign. This variant is intronic and is not expected to impact mRNA splicing.

NM_001903.5(CTNNA1):c.859-16A>G

Gene: CTNNA1 (catenin alpha 1; plus strand). Cytogenetic location: 5q31.2.
Variant type: single nucleotide variant.
Coding change: c.859-16A>G on transcript NM_001903.5 (MANE Select); 16 bases into the intron before coding-DNA position 859, A replaced by G.
Molecular consequence: intron variant.
Genome position (GRCh38, 1-based): chr5:138,827,499, A>G. VCF-style: chr5-138827499-A-G. GRCh37 (hg19) VCF-style: chr5-138163188-A-G.
Other names: c.859-16A>G (NM_001323982.2, NM_001323984.2, NM_001290307.3 and 3 more transcripts); c.490-16A>G (NM_001290310.3); c.550-16A>G (NM_001290309.3).
Identifiers: ClinVar variation 1596913 (VCV001596913.9), dbSNP rs149020870, ClinGen allele CA3431581.